The following is an entry in ClinVar:

NM_000222.3(KIT):c.2133G>T (p.Glu711Asp)

Gene: KIT (KIT proto-oncogene, receptor tyrosine kinase; plus strand). Cytogenetic location: 4q12.
Variant type: single nucleotide variant.
Coding change: c.2133G>T on transcript NM_000222.3 (MANE Select); coding-DNA position 2133, G replaced by T.
Protein change: p.Glu711Asp; replaces glutamic acid 711 with aspartic acid.
Molecular consequence: missense variant.
Genome position (GRCh38, 1-based): chr4:54,729,477, G>T. VCF-style: chr4-54729477-G-T. GRCh37 (hg19) VCF-style: chr4-55595643-G-T.
Other names: c.2121G>T, p.Glu707Asp (NM_001093772.2, NM_001385286.1); c.2136G>T, p.Glu712Asp (NM_001385284.1, NM_001385290.1); c.2133G>T, p.Glu711Asp (NM_001385285.1); c.2124G>T, p.Glu708Asp (NM_001385288.1, NM_001385292.1); short protein forms E707D, E708D, E711D, E712D.
Identifiers: ClinVar variation 1376650 (VCV001376650.10), dbSNP rs1722452309, ClinGen allele CA356909891.

ClinVar aggregate classification (germline): Uncertain significance. Review status: criteria provided, multiple submitters, no conflicts (2 of 4 stars). 2 submissions from 2 submitters: Uncertain significance (2). Last evaluated 2024-06-12.

Conditions:
Gastrointestinal stromal tumor. Also called: Gastrointestinal stroma tumor; Gastrointestinal stromal tumor, somatic. Identifiers: Orphanet 44890, MedGen C0238198, MeSH D046152, MONDO:0011719, OMIM 606764, HP:0100723.
Hereditary cancer-predisposing syndrome. Also called: Tumor predisposition; Hereditary Cancer Syndrome; Hereditary neoplastic syndrome; Neoplastic Syndromes, Hereditary. Identifiers: Orphanet 140162, MedGen C0027672, MeSH D009386, MONDO:0015356.

gnomAD v4.1: 1 of 1,613,192 alleles (0.000062%); highest among the groups gnomAD compares: Non-Finnish European, 0.000085%; no homozygotes.

Submissions (2):

Labcorp Genetics (formerly Invitae), Labcorp
Classification: Uncertain significance for Gastrointestinal stromal tumor. Last evaluated: 2024-06-12. Review status: criteria provided, single submitter. Criteria: Invitae Variant Classification Sherloc (09022015). Collection method: clinical testing. Allele origin: germline.
Comment: This sequence change replaces glutamic acid, which is acidic and polar, with aspartic acid, which is acidic and polar, at codon 711 of the KIT protein (p.Glu711Asp). This variant is not present in population databases (gnomAD no frequency). This variant has not been reported in the literature in individuals affected with KIT-related conditions. ClinVar contains an entry for this variant (Variation ID: 1376650). Algorithms developed to predict the effect of missense changes on protein structure and function output the following: SIFT: "Not Available"; PolyPhen-2: "Benign"; Align-GVGD: "Not Available". The aspartic acid amino acid residue is found in multiple mammalian species, which suggests that this missense change does not adversely affect protein function. In summary, the available evidence is currently insufficient to determine the role of this variant in disease. Therefore, it has been classified as a Variant of Uncertain Significance.

Ambry Genetics
Classification: Uncertain significance for Hereditary cancer-predisposing syndrome. Last evaluated: 2022-09-24. Review status: criteria provided, single submitter. Criteria: Ambry Variant Classification Scheme 2023. Collection method: clinical testing. Allele origin: germline.
Comment: The p.E711D variant (also known as c.2133G>T), located in coding exon 14 of the KIT gene, results from a G to T substitution at nucleotide position 2133. The glutamic acid at codon 711 is replaced by aspartic acid, an amino acid with highly similar properties. This amino acid position is conserved. In addition, this alteration is predicted to be tolerated by in silico analysis. Since supporting evidence is limited at this time, the clinical significance of this alteration remains unclear.